The following is an entry in ClinVar:

NM_080680.3(COL11A2):c.3098G>A (p.Gly1033Glu)

Gene: COL11A2 (collagen type XI alpha 2 chain; minus strand). Cytogenetic location: 6p21.32.
Variant type: single nucleotide variant.
Coding change: c.3098G>A on transcript NM_080680.3 (MANE Select); coding-DNA position 3098, G replaced by A.
Protein change: p.Gly1033Glu; replaces glycine 1033 with glutamic acid.
Molecular consequence: missense variant.
Genome position (GRCh38, 1-based): chr6:33,171,765, C>T on the plus strand (G>A on the coding strand, the complement: COL11A2 is on the minus strand). VCF-style: chr6-33171765-C-T. GRCh37 (hg19) VCF-style: chr6-33139542-C-T.
Other names: c.2777G>A, p.Gly926Glu (NM_080679.3); c.2840G>A, p.Gly947Glu (NM_080681.3); short protein forms G1033E, G926E, G947E.
Identifiers: ClinVar variation 1878722 (VCV001878722.1), dbSNP rs2150547982, ClinGen allele CA363636495.

ClinVar aggregate classification (germline): Uncertain significance (1 of 4 stars; one submission).

Submission:

GeneDx
Classification: Uncertain significance. Last evaluated: 2022-07-13. Review status: criteria provided, single submitter. Criteria: GeneDx Variant Classification Process June 2021. Collection method: clinical testing. Allele origin: germline. Affected: yes.
Comment: Not observed at significant frequency in large population cohorts (gnomAD); In silico analysis supports that this missense variant has a deleterious effect on protein structure/function; Has not been previously published as pathogenic or benign to our knowledge